The following is an entry in ClinVar:

NM_024301.5(FKRP):c.824G>A (p.Arg275His)

Gene: FKRP (fukutin related protein; plus strand). Cytogenetic location: 19q13.32.
Variant type: single nucleotide variant.
Coding change: c.824G>A on transcript NM_024301.5 (MANE Select); coding-DNA position 824, G replaced by A.
Protein change: p.Arg275His; replaces arginine 275 with histidine.
Molecular consequence: missense variant.
Genome position (GRCh38, 1-based): chr19:46,756,274, G>A. VCF-style: chr19-46756274-G-A. GRCh37 (hg19) VCF-style: chr19-47259531-G-A.
Other names: c.824G>A, p.Arg275His (NM_001039885.3); short protein forms R275H.
Identifiers: ClinVar variation 5021806 (VCV005021806.1).

ClinVar aggregate classification (germline): Uncertain significance (1 of 4 stars; one submission).

Conditions:
Cardiovascular phenotype. Identifiers: MedGen CN230736.

Submission:

Ambry Genetics
Classification: Uncertain significance for Cardiovascular phenotype. Last evaluated: 2026-08-13. Review status: criteria provided, single submitter. Criteria: Ambry Variant Classification Scheme 2023. Collection method: clinical testing. Allele origin: germline.
Comment: The p.R275H variant (also known as c.824G>A), located in coding exon 1 of the FKRP gene, results from a G to A substitution at nucleotide position 824. The arginine at codon 275 is replaced by histidine, an amino acid with highly similar properties. This amino acid position is not well conserved in available vertebrate species. In addition, the in silico prediction for this alteration is inconclusive. Based on the available evidence, the clinical significance of this variant remains unclear.